The following is an entry in ClinVar:

NM_002427.4(MMP13):c.802C>T (p.Pro268Ser)

Gene: MMP13 (matrix metallopeptidase 13; minus strand). Cytogenetic location: 11q22.2.
Variant type: single nucleotide variant.
Coding change: c.802C>T on transcript NM_002427.4 (MANE Select); coding-DNA position 802, C replaced by T.
Protein change: p.Pro268Ser; replaces proline 268 with serine.
Molecular consequence: missense variant.
Genome position (GRCh38, 1-based): chr11:102,950,225, G>A on the plus strand (C>T on the coding strand, the complement: MMP13 is on the minus strand). VCF-style: chr11-102950225-G-A. GRCh37 (hg19) VCF-style: chr11-102820954-G-A.
Other names: c.802C>T (NM_002427.3); short protein forms P268S.
Identifiers: ClinVar variation 1047401 (VCV001047401.9), dbSNP rs1860588352, ClinGen allele CA382228550.

ClinVar aggregate classification (germline): Uncertain significance. Review status: criteria provided, multiple submitters, no conflicts (2 of 4 stars). 2 submissions from 2 submitters: Uncertain significance (2). Last evaluated 2025-12-08.

gnomAD v4.1: 12 of 1,610,210 alleles (0.00075%); highest among the groups gnomAD compares: South Asian, 0.0011%; no homozygotes.

Submissions (2):

Ambry Genetics
Classification: Uncertain significance. Last evaluated: 2025-12-08. Review status: criteria provided, single submitter. Criteria: Ambry Variant Classification Scheme 2023. Collection method: clinical testing. Allele origin: germline.

Labcorp Genetics (formerly Invitae), Labcorp
Classification: Uncertain significance. Last evaluated: 2020-03-23. Review status: criteria provided, single submitter. Criteria: Invitae Variant Classification Sherloc (09022015). Collection method: clinical testing. Allele origin: germline.
Comment: In summary, the available evidence is currently insufficient to determine the role of this variant in disease. Therefore, it has been classified as a Variant of Uncertain Significance. Algorithms developed to predict the effect of missense changes on protein structure and function are either unavailable or do not agree on the potential impact of this missense change (SIFT: "Tolerated"; PolyPhen-2: "Benign"; Align-GVGD: "Class C25"). This variant has not been reported in the literature in individuals with MMP13-related conditions. This variant is not present in population databases (ExAC no frequency). This sequence change replaces proline with serine at codon 268 of the MMP13 protein (p.Pro268Ser). The proline residue is moderately conserved and there is a moderate physicochemical difference between proline and serine.